The following is an entry in ClinVar:

ClinVar aggregate classification (germline): Likely pathogenic (1 of 4 stars; one submission).

gnomAD v4.1: 2 of 1,602,174 alleles (0.00012%); highest among the groups gnomAD compares: Non-Finnish European, 0.00017%; no homozygotes.

Submission:

GeneDx
Classification: Likely pathogenic. Last evaluated: 2026-01-30. Review status: criteria provided, single submitter. Criteria: GeneDx Variant Classification Process June 2021. Collection method: clinical testing. Allele origin: germline. Affected: yes.
Comment: Has not been previously published as pathogenic or benign to our knowledge; Not observed at significant frequency in large population cohorts (gnomAD); In silico analysis supports that this missense variant has a deleterious effect on protein structure/function

NM_020247.5(COQ8A):c.832G>C (p.Gly278Arg)

Gene: COQ8A (coenzyme Q8A; plus strand). Cytogenetic location: 1q42.13.
Variant type: single nucleotide variant.
Coding change: c.832G>C on transcript NM_020247.5 (MANE Select); coding-DNA position 832, G replaced by C.
Protein change: p.Gly278Arg; replaces glycine 278 with arginine.
Molecular consequence: missense variant.
Genome position (GRCh38, 1-based): chr1:226,982,128, G>C. VCF-style: chr1-226982128-G-C. GRCh37 (hg19) VCF-style: chr1-227169829-G-C.
Other names: short protein forms G278R.
Identifiers: ClinVar variation 1806595 (VCV001806595.2), dbSNP rs1198170033, ClinGen allele CA345052171.